The following is an entry in ClinVar:

ClinVar aggregate classification (germline): Uncertain significance (1 of 4 stars; one submission).

Conditions:
Combined immunodeficiency due to LRBA deficiency. Also called: Common variable immunodeficiency 8, with autoimmunity. Identifiers: Orphanet 445018, MedGen C3553512, MONDO:0013863, OMIM 614700.

Allele frequency attached by ClinVar (database versions not stated): gnomAD 0.00001; gnomAD exomes 0.00001; ExAC 0.00002.
gnomAD v4.1: 10 of 1,607,004 alleles (0.00062%); highest among the groups gnomAD compares: Non-Finnish European, 0.00042%; no homozygotes.

Submission:

Labcorp Genetics (formerly Invitae), Labcorp
Classification: Uncertain significance for Combined immunodeficiency due to LRBA deficiency. Last evaluated: 2022-02-10. Review status: criteria provided, single submitter. Criteria: Invitae Variant Classification Sherloc (09022015). Collection method: clinical testing. Allele origin: germline.
Comment: This sequence change replaces leucine, which is neutral and non-polar, with phenylalanine, which is neutral and non-polar, at codon 495 of the LRBA protein (p.Leu495Phe). This variant is present in population databases (rs781285430, gnomAD 0.01%). This variant has not been reported in the literature in individuals affected with LRBA-related conditions. ClinVar contains an entry for this variant (Variation ID: 641972). Algorithms developed to predict the effect of missense changes on protein structure and function (SIFT, PolyPhen-2, Align-GVGD) all suggest that this variant is likely to be tolerated. In summary, the available evidence is currently insufficient to determine the role of this variant in disease. Therefore, it has been classified as a Variant of Uncertain Significance.

NM_001364905.1(LRBA):c.1485G>C (p.Leu495Phe)

Gene: LRBA (LPS responsive beige-like anchor protein; minus strand). Cytogenetic location: 4q31.3.
Variant type: single nucleotide variant.
Coding change: c.1485G>C on transcript NM_001364905.1 (MANE Select); coding-DNA position 1485, G replaced by C.
Protein change: p.Leu495Phe; replaces leucine 495 with phenylalanine.
Molecular consequence: missense variant.
Genome position (GRCh38, 1-based): chr4:150,908,342, C>G on the plus strand (G>C on the coding strand, the complement: LRBA is on the minus strand). VCF-style: chr4-150908342-C-G. GRCh37 (hg19) VCF-style: chr4-151829494-C-G.
Other names: c.1485G>C, p.Leu495Phe (NM_001199282.3, NM_001367550.1, NM_006726.5); short protein forms L495F.
Identifiers: ClinVar variation 641972 (VCV000641972.6), dbSNP rs781285430, ClinGen allele CA3103578.